The following is an entry in ClinVar:

NM_004006.3(DMD):c.6021dup (p.Ser2008fs)

Gene: DMD (dystrophin; minus strand). Cytogenetic location: Xp21.1.
Variant type: Duplication.
Coding change: c.6021dup on transcript NM_004006.3 (MANE Select); coding-DNA position 6021, one base duplicated (C; older notation c.6021dupC).
Protein change: p.Ser2008fs; shifts the reading frame from serine 2008.
Molecular consequence: frameshift variant.
Genome position (GRCh38, 1-based): chrX:32,310,178, G duplicated on the plus strand (C on the coding strand, the reverse complement: DMD is on the minus strand). VCF-style (leftmost placement, unchanged base first): chrX-32310177-A-AG. GRCh37 (hg19) VCF-style: chrX-32328294-A-AG.
Other names: c.5997dup, p.Ser2000fs (NM_000109.4); c.6009dup, p.Ser2004fs (NM_004009.3); c.5652dup, p.Ser1885fs (NM_004010.3); c.1998dup, p.Ser667fs (NM_004011.4); c.1989dup, p.Ser664fs (NM_004012.4); short protein forms S2004fs, S667fs, S664fs, S1885fs, S2000fs, S2008fs.
Identifiers: ClinVar variation 2816810 (VCV002816810.3), dbSNP rs2520268676, ClinGen allele CA2739268175.

ClinVar aggregate classification (germline): Pathogenic (1 of 4 stars; one submission).

Conditions:
Duchenne muscular dystrophy (DMD). Also called: MUSCULAR DYSTROPHY, PSEUDOHYPERTROPHIC PROGRESSIVE, DUCHENNE TYPE; Duchenne Muscular Dystrophy (DMD). Identifiers: Orphanet 98896, MedGen C0013264, MONDO:0010679, OMIM 310200.

Submission:

Labcorp Genetics (formerly Invitae), Labcorp
Classification: Pathogenic for Duchenne muscular dystrophy. Last evaluated: 2023-05-22. Review status: criteria provided, single submitter. Criteria: Invitae Variant Classification Sherloc (09022015). Collection method: clinical testing. Allele origin: germline.
Comment: This variant is not present in population databases (gnomAD no frequency). For these reasons, this variant has been classified as Pathogenic. This variant has not been reported in the literature in individuals affected with DMD-related conditions. This sequence change creates a premature translational stop signal (p.Ser2008Leufs*15) in the DMD gene. It is expected to result in an absent or disrupted protein product. Loss-of-function variants in DMD are known to be pathogenic (PMID: 16770791, 25007885).

Literature cited by the submitters: PubMed 16770791; PubMed 25007885.